The following is an entry in ClinVar:

ClinVar aggregate classification (germline): Conflicting classifications of pathogenicity. Review status: criteria provided, conflicting classifications (1 of 4 stars). 2 submissions from 2 submitters: Likely pathogenic (1); Uncertain significance (1). Last evaluated 2025-08-26.

Conditions:
Alport syndrome. Also called: Hemorrhagic familial nephritis; Hemorrhagic hereditary nephritis; Congenital hereditary hematuria. Identifiers: Orphanet 63, MedGen C1567741, MONDO:0018965.

Submissions (2):

Natera, Inc.
Classification: Likely pathogenic for Alport syndrome. Last evaluated: 2025-08-26. Review status: criteria provided, single submitter. Criteria: Natera Variant Classification Schema (03/2026). Collection method: clinical testing. Allele origin: germline.
Comment: The c.1652G>A variant in COL4A3 is a missense variant predicted to cause substitution of glycine to aspartic acid at amino acid 551. This variant is rare in the general population with a frequency below the threshold expected for the associated phenotype(s). This variant is located in a functionally critical region of the protein. Computational prediction algorithms indicate this variant is likely to affect gene or protein function. Given the available evidence, this variant is classified as Likely Pathogenic.

Labcorp Genetics (formerly Invitae), Labcorp
Classification: Uncertain significance. Last evaluated: 2023-09-05. Review status: criteria provided, single submitter. Criteria: Invitae Variant Classification Sherloc (09022015). Collection method: clinical testing. Allele origin: germline.
Comment: In summary, the available evidence is currently insufficient to determine the role of this variant in disease. Therefore, it has been classified as a Variant of Uncertain Significance. Advanced modeling of protein sequence and biophysical properties (such as structural, functional, and spatial information, amino acid conservation, physicochemical variation, residue mobility, and thermodynamic stability) has been performed at Invitae for this missense variant, however the output from this modeling did not meet the statistical confidence thresholds required to predict the impact of this variant on COL4A3 protein function. This variant has not been reported in the literature in individuals affected with COL4A3-related conditions. This variant is not present in population databases (gnomAD no frequency). This sequence change replaces glycine, which is neutral and non-polar, with aspartic acid, which is acidic and polar, at codon 551 of the COL4A3 protein (p.Gly551Asp).

NM_000091.5(COL4A3):c.1652G>A (p.Gly551Asp)

Genes: COL4A3 (collagen type IV alpha 3 chain; plus strand), MFF-DT (MFF divergent transcript; minus strand). Cytogenetic location: 2q36.3.
Variant type: single nucleotide variant.
Coding change: c.1652G>A on transcript NM_000091.5 (MANE Select); coding-DNA position 1652, G replaced by A.
Protein change: p.Gly551Asp; replaces glycine 551 with aspartic acid.
Molecular consequence: missense variant.
Genome position (GRCh38, 1-based): chr2:227,270,846, G>A. VCF-style: chr2-227270846-G-A. GRCh37 (hg19) VCF-style: chr2-228135562-G-A.
Other names: short protein forms G551D.
Identifiers: ClinVar variation 2751651 (VCV002751651.4), dbSNP rs2071192222, ClinGen allele CA350871755.